The following is an entry in ClinVar:

ClinVar aggregate classification (germline): Likely benign (1 of 4 stars; one submission).

gnomAD v4.1: 13 of 1,614,148 alleles (0.00081%); highest among the groups gnomAD compares: Non-Finnish European, 0.0011%; no homozygotes.

Submission:

CeGaT Center for Human Genetics Tuebingen
Classification: Likely benign. Last evaluated: 2026-05-01. Review status: criteria provided, single submitter. Criteria: CeGaT Center For Human Genetics Tuebingen Variant Classification Criteria Version 2. Collection method: clinical testing. Allele origin: germline. Affected: yes. Observed: 1 variant allele.
Comment: GAD1: BP4, BP7

NM_000817.3(GAD1):c.1656C>A (p.Thr552=)

Gene: GAD1 (glutamate decarboxylase 1; plus strand). Cytogenetic location: 2q31.1.
Variant type: single nucleotide variant.
Coding change: c.1656C>A on transcript NM_000817.3 (MANE Select); coding-DNA position 1656, C replaced by A.
Protein change: p.Thr552=; no amino-acid change (threonine 552 retained).
Molecular consequence: synonymous variant.
Genome position (GRCh38, 1-based): chr2:170,859,753, C>A. VCF-style: chr2-170859753-C-A. GRCh37 (hg19) VCF-style: chr2-171716263-C-A.
Identifiers: ClinVar variation 4874847 (VCV004874847.2).